The following is an entry in ClinVar:

NM_005502.4(ABCA1):c.3077T>C (p.Leu1026Pro)

Gene: ABCA1 (ATP binding cassette subfamily A member 1; minus strand). Cytogenetic location: 9q31.1.
Variant type: single nucleotide variant.
Coding change: c.3077T>C on transcript NM_005502.4 (MANE Select); coding-DNA position 3077, T replaced by C.
Protein change: p.Leu1026Pro; replaces leucine 1026 with proline.
Molecular consequence: missense variant.
Genome position (GRCh38, 1-based): chr9:104,819,953, A>G on the plus strand (T>C on the coding strand, the complement: ABCA1 is on the minus strand). VCF-style: chr9-104819953-A-G. GRCh37 (hg19) VCF-style: chr9-107582234-A-G.
Other names: short protein forms L1026P.
Identifiers: ClinVar variation 4681740 (VCV004681740.5).
Genomic context (GRCh38, chr9:104,819,953, plus strand): 5'-GGAGAGGGATAGGGAAGGTAGCTCTGGGCCGCACCTGACAGCTGGCTTGTTTTGCTTTTC[A>G]GCTTGCTTGATGGCAAACCAACATCCAGGGCCATCTGCTCCATCTCCGCCTTCACGTGCT-3'
Protein context (NP_005493.2, residues 1016-1036): ALDVGLPSSK[Leu1026Pro]KSKTSQLSGG

ClinVar aggregate classification (germline): Uncertain significance (1 of 4 stars; one submission).

gnomAD v4.1: 1 of 1,613,804 alleles (0.000062%); highest among the groups gnomAD compares: Non-Finnish European, 0.000085%; no homozygotes.

Submission:

CeGaT Center for Human Genetics Tuebingen
Classification: Uncertain significance. Last evaluated: 2025-12-01. Review status: criteria provided, single submitter. Criteria: CeGaT Center For Human Genetics Tuebingen Variant Classification Criteria Version 2. Collection method: clinical testing. Allele origin: germline. Affected: yes. Observed: 1 variant allele.
Comment: ABCA1: PM2